The following is an entry in ClinVar:

NC_012920.1(MT-ATP8):m.8429C>T

Gene: MT-ATP8 (mitochondrially encoded ATP synthase 8; plus strand).
Variant type: single nucleotide variant.
Genome position: chrM-8429-C-T.
Identifiers: ClinVar variation 692854 (VCV000692854.1), dbSNP rs1603221477, ClinGen allele CA414796064.
Genomic context (GRCh38, chrMT:8,429, plus strand): 5'-CCCCAACTAAATACTACCGTATGGCCCACCATAATTACCCCCATACTCCTTACACTATTC[C>T]TCATCACCCAACTAAAAATATTAAACACAAACTACCACCTACCTCCCTCACCAAAGCCCA-3'

ClinVar aggregate classification (germline): Benign (1 of 4 stars; one submission).

Conditions:
Leigh syndrome (NULS). Also called: Leigh's necrotizing encephalopathy; Leigh's disease; Leigh Syndrome (mtDNA deletion); Leigh Disease; Subacute necrotizing encephalopathy; Necrotizing encephalopathy infantile subacute of Leigh. Identifiers: Orphanet 506, MedGen C2931891, MONDO:0009723, OMIM 256000.

Submission:

Wong Mito Lab, Molecular and Human Genetics, Baylor College of Medicine
Classification: Benign for Leigh syndrome. Last evaluated: 2019-10-17. Review status: criteria provided, single submitter. Criteria: Modified ACMG Guidelines (Unpublished). Collection method: clinical testing. Allele origin: germline.
Comment: The NC_012920.1:m.8429C>T (YP_003024030.1:p.Leu22Phe) variant in MTATP8 gene is interpretated to be a Benign variant based on the modified ACMG guidelines (unpublished). This variant meets the following evidence codes: BS1, BS4